The following is an entry in ClinVar:

NM_006914.4(RORB):c.1174C>G (p.Leu392Val)

Gene: RORB (RAR related orphan receptor B; plus strand). Cytogenetic location: 9q21.13.
Variant type: single nucleotide variant.
Coding change: c.1174C>G on transcript NM_006914.4 (MANE Select); coding-DNA position 1174, C replaced by G.
Protein change: p.Leu392Val; replaces leucine 392 with valine.
Molecular consequence: missense variant.
Genome position (GRCh38, 1-based): chr9:74,671,851, C>G. VCF-style: chr9-74671851-C-G. GRCh37 (hg19) VCF-style: chr9-77286767-C-G.
Other names: c.1207C>G, p.Leu403Val (NM_001365023.1); short protein forms L392V, L403V.
Identifiers: ClinVar variation 1998183 (VCV001998183.4), dbSNP rs2489648703, ClinGen allele CA373771732.
Genomic context (GRCh38, chr9:74,671,851, plus strand): 5'-CGAGCCTGGCTTATAGAACCAAGGAAAGTCCAGAAGCTTCAGGAAAAAATTTATTTTGCA[C>G]TTCAACATGTGATTCAGAAGAATCACCTGGATGATGAGACCTTGGCAAAGGTAGGTCCAC-3'
Protein context (NP_008845.2, residues 382-402): QKLQEKIYFA[Leu392Val]QHVIQKNHLD

ClinVar aggregate classification (germline): Uncertain significance (1 of 4 stars; one submission).

Submission:

Labcorp Genetics (formerly Invitae), Labcorp
Classification: Uncertain significance. Last evaluated: 2022-05-24. Review status: criteria provided, single submitter. Criteria: Invitae Variant Classification Sherloc (09022015). Collection method: clinical testing. Allele origin: germline.
Comment: This sequence change replaces leucine, which is neutral and non-polar, with valine, which is neutral and non-polar, at codon 392 of the RORB protein (p.Leu392Val). This variant is not present in population databases (gnomAD no frequency). This variant has not been reported in the literature in individuals affected with RORB-related conditions. Algorithms developed to predict the effect of missense changes on protein structure and function are either unavailable or do not agree on the potential impact of this missense change (SIFT: "Tolerated"; PolyPhen-2: "Possibly Damaging"; Align-GVGD: "Class C0"). In summary, the available evidence is currently insufficient to determine the role of this variant in disease. Therefore, it has been classified as a Variant of Uncertain Significance.